The following is an entry in ClinVar:

NM_005188.4(CBL):c.486G>C (p.Leu162=)

Gene: CBL (Cbl proto-oncogene; plus strand). Cytogenetic location: 11q23.3.
Variant type: single nucleotide variant.
Coding change: c.486G>C on transcript NM_005188.4 (MANE Select); coding-DNA position 486, G replaced by C.
Protein change: p.Leu162=; no amino-acid change (leucine 162 retained).
Molecular consequence: synonymous variant.
Genome position (GRCh38, 1-based): chr11:119,271,777, G>C. VCF-style: chr11-119271777-G-C. GRCh37 (hg19) VCF-style: chr11-119142487-G-C.
Identifiers: ClinVar variation 3029371 (VCV003029371.2), dbSNP rs2496927371, ClinGen allele CA477127038.

ClinVar aggregate classification (germline): Likely benign (0 of 4 stars; one submission).

Conditions:
CBL-related disorder. Also called: NOONAN SYNDROME-LIKE DISORDER WITHOUT JUVENILE MYELOMONOCYTIC LEUKEMIA; CBL MUTATION-ASSOCIATED SYNDROME; CBL SYNDROME. Identifiers: Orphanet 363972, MedGen C3150803, MONDO:0013308, OMIM 613563.

Submission:

PreventionGenetics, part of Exact Sciences
Classification: Likely benign for CBL-related condition. Last evaluated: 2022-02-23. Review status: no assertion criteria provided. Collection method: clinical testing. Allele origin: germline.
Comment: This variant is classified as likely benign based on ACMG/AMP sequence variant interpretation guidelines (Richards et al. 2015 PMID: 25741868, with internal and published modifications).